The following is an entry in ClinVar:

ClinVar aggregate classification (germline): Conflicting classifications of pathogenicity. Review status: criteria provided, conflicting classifications (1 of 4 stars). 4 submissions from 4 submitters: Pathogenic (1); Likely pathogenic (1); Uncertain significance (1). 1 of the submissions does not count toward it. Last evaluated 2026-01-21.

Conditions:
Familial thoracic aortic aneurysm and aortic dissection (TAAD). Also called: Thoracic aortic aneurysms and dissections. Identifiers: Orphanet 91387, MedGen C4707243, MONDO:0019625.
Marfan syndrome (MFS). Also called: Marfan syndrome type 1; Marfan syndrome, classic; Marfan's syndrome; FBN1-Related Marfan Syndrome; MARFAN SYNDROME, TYPE I. Identifiers: Orphanet 284963, Orphanet 558, MedGen C0024796, MONDO:0007947, OMIM 154700.

Submissions (4):

GeneDx
Classification: Pathogenic. Last evaluated: 2026-01-21. Review status: criteria provided, single submitter. Criteria: GeneDx Variant Classification Process June 2021. Collection method: clinical testing. Allele origin: germline.
Comment: Has been reported in patients with an FBN1-related disorder, including as an apparently de novo variant in one individual, in published literature (PMID: 35058154, 36128167); Not observed at significant frequency in large population cohorts (gnomAD); In silico analysis supports that this missense variant has a deleterious effect on protein structure/function; This variant is associated with the following publications: (PMID: 20591885, 35058154, 36128167)

Centre of Medical Genetics, University of Antwerp
Classification: Likely pathogenic for Marfan syndrome. Last evaluated: 2021-03-01. Review status: criteria provided, single submitter. Criteria: Submitter's publication. Collection method: research. Allele origin: unknown. Affected: yes.
Comment: PM2, PS6, PP4

Labcorp Genetics (formerly Invitae), Labcorp
Classification: Uncertain significance for Marfan syndrome; Familial thoracic aortic aneurysm and aortic dissection. Last evaluated: 2021-01-30. Review status: criteria provided, single submitter. Criteria: Invitae Variant Classification Sherloc (09022015). Collection method: clinical testing. Allele origin: germline.
Comment: Advanced modeling of protein sequence and biophysical properties (such as structural, functional, and spatial information, amino acid conservation, physicochemical variation, residue mobility, and thermodynamic stability) performed at Invitae indicates that this missense variant is expected to disrupt FBN1 protein function. This variant has not been reported in the literature in individuals with FBN1-related conditions. ClinVar contains an entry for this variant (Variation ID: 549134). This variant is not present in population databases (ExAC no frequency). This sequence change replaces phenylalanine with serine at codon 1051 of the FBN1 protein (p.Phe1051Ser). The phenylalanine residue is highly conserved and there is a large physicochemical difference between phenylalanine and serine. In summary, the available evidence is currently insufficient to determine the role of this variant in disease. Therefore, it has been classified as a Variant of Uncertain Significance.

Center for Medical Genetics Ghent, University of Ghent
Classification: Uncertain significance for Marfan syndrome. Last evaluated: 2017-11-07. Review status: no assertion criteria provided. Collection method: clinical testing. Allele origin: germline. Affected: yes. Not counted in ClinVar's aggregate classification.

NM_000138.5(FBN1):c.3152T>C (p.Phe1051Ser)

Gene: FBN1 (fibrillin 1; minus strand). Cytogenetic location: 15q21.1.
Variant type: single nucleotide variant.
Coding change: c.3152T>C on transcript NM_000138.5 (MANE Select); coding-DNA position 3152, T replaced by C.
Protein change: p.Phe1051Ser; replaces phenylalanine 1051 with serine.
Molecular consequence: missense variant.
Genome position (GRCh38, 1-based): chr15:48,488,424, A>G on the plus strand (T>C on the coding strand, the complement: FBN1 is on the minus strand). VCF-style: chr15-48488424-A-G. GRCh37 (hg19) VCF-style: chr15-48780621-A-G.
Other names: short protein forms F1051S.
Identifiers: ClinVar variation 549134 (VCV000549134.26), dbSNP rs1555398668, ClinGen allele CA392328072.